The following is an entry in ClinVar:

ClinVar aggregate classification (germline): Pathogenic/Likely pathogenic. Review status: criteria provided, multiple submitters, no conflicts (2 of 4 stars). 4 submissions from 4 submitters: Pathogenic (3); Likely pathogenic (1). Last evaluated 2026-01-27.

Conditions:
Mucopolysaccharidosis type 6 (MPS6). Also called: N-ACETYLGALACTOSAMINE-4-SULFATASE DEFICIENCY; MPS VI; MPS 6; Maroteaux Lamy syndrome; ARSB DEFICIENCY; ARYLSULFATASE B DEFICIENCY. Identifiers: Orphanet 583, MedGen C0026709, MONDO:0009661, OMIM 253200.

Allele frequency attached by ClinVar (database versions not stated): TOPMed 0.00001; gnomAD 0.00005.
gnomAD v4.1: 30 of 1,614,014 alleles (0.0019%); highest among the groups gnomAD compares: Non-Finnish European, 0.0025%; no homozygotes.

Submissions (4):

Labcorp Genetics (formerly Invitae), Labcorp
Classification: Pathogenic for Mucopolysaccharidosis type 6. Last evaluated: 2026-01-27. Review status: criteria provided, single submitter. Criteria: Invitae Variant Classification Sherloc (09022015). Collection method: clinical testing. Allele origin: germline.
Comment: This sequence change replaces proline, which is neutral and non-polar, with alanine, which is neutral and non-polar, at codon 313 of the ARSB protein (p.Pro313Ala). The frequency data for this variant in the population databases is considered unreliable, as metrics indicate poor data quality at this position in the gnomAD database. This missense change has been observed in individual(s) with mucolipidosis VI (PMID: 17458871, 17643332, 23557332). ClinVar contains an entry for this variant (Variation ID: 559826). Invitae Evidence Modeling of protein sequence and biophysical properties (such as structural, functional, and spatial information, amino acid conservation, physicochemical variation, residue mobility, and thermodynamic stability) indicates that this missense variant is expected to disrupt ARSB protein function with a positive predictive value of 95%. Experimental studies have shown that this missense change affects ARSB function (PMID: 27826022). For these reasons, this variant has been classified as Pathogenic.

Natera, Inc.
Classification: Pathogenic for Mucopolysaccharidosis type VI. Last evaluated: 2024-05-03. Review status: criteria provided, single submitter. Criteria: Natera Variant Classification Schema (03/2026). Collection method: clinical testing. Allele origin: germline.
Comment: The c.937C>G variant in ARSB is a missense variant predicted to cause substitution of proline to alanine at amino acid 313. This variant is rare in the general population with a frequency below the threshold expected for the associated phenotype(s). This variant has been observed in one or more individuals affected with the associated recessive disease, as either homozygous or compound heterozygous with a second variant (PMID: 17458871). Functional studies show that this variant may disrupt protein function (PMID: 27826022). Computational prediction algorithms indicate this variant is likely to affect gene or protein function. Given the available evidence, this variant is classified as Pathogenic.

Women's Health and Genetics/Laboratory Corporation of America, LabCorp
Classification: Pathogenic for Mucopolysaccharidosis type 6. Last evaluated: 2022-12-25. Review status: criteria provided, single submitter. Criteria: LabCorp Variant Classification Summary - May 2015. Collection method: clinical testing. Allele origin: germline.
Comment: Variant summary: ARSB c.937C>G (p.Pro313Ala) results in a non-conservative amino acid change located in the Sulfatase, N-terminal domain (IPR000917) of the encoded protein sequence. Five of five in-silico tools predict a damaging effect of the variant on protein function. The variant allele was found at a frequency of 4e-06 in 251338 control chromosomes. c.937C>G has been reported in the literature as biallelic homozygous or compound heterozygous genotypes in multiple individuals affected with clinically and biochemically characterized Mucopolysaccharidosis Type VI (Maroteaux-Lamy Syndrome) (example, PMID: 23557332, 26450354, 25654180, 17643332, 30083803, 28552677, 27826022). These data indicate that the variant is very likely to be associated with disease. No direct experimental evidence demonstrating an impact on protein function has been ascertained in this assessment, although at-least one study describes its identification in two homozygous individuals with measurement of enzyme deficiency in leukocytes or fibroblasts confirming a diagnosis of MPS VI (PMID: 30083803). Three clinical diagnostic laboratories have submitted clinical-significance assessments for this variant to ClinVar after 2014 without evidence for independent evaluation. All laboratories classified the variant as pathogenic/likely pathogenic. Based on the evidence outlined above, the variant was classified as pathogenic.

Laboratory of Diagnosis and Therapy of Lysosomal Disorders, University of Padova
Classification: Likely pathogenic for Mucopolysaccharidosis type 6. Last evaluated: 2018-01-01. Review status: criteria provided, single submitter. Criteria: ACMG Guidelines, 2015. Collection method: curation. Allele origin: germline. Affected: yes.
Comment: In vitro functional studies supportive of a damaging effect on the gene product (low to no ARSB activity in homozygotes; PS3); Very low frequency in ExAC (PM2); Multiple lines of computational evidence support a deleterious effect on the gene product (PP3); Reputable source identifies as pathogenic (PP5)

Literature cited by the submitters: PubMed 17458871 (cited by 3 submitters); PubMed 17643332 (cited by 3 submitters); PubMed 23557332 (cited by Labcorp Genetics (formerly Invitae), Labcorp and Women's Health and Genetics/Laboratory Corporation of America, LabCorp); PubMed 27826022 (cited by 3 submitters); PubMed 30083803 (cited by Women's Health and Genetics/Laboratory Corporation of America, LabCorp); PubMed 26450354 (cited by Women's Health and Genetics/Laboratory Corporation of America, LabCorp); PubMed 25654180 (cited by Women's Health and Genetics/Laboratory Corporation of America, LabCorp); PubMed 28552677 (cited by Women's Health and Genetics/Laboratory Corporation of America, LabCorp and Laboratory of Diagnosis and Therapy of Lysosomal Disorders, University of Padova); PubMed 18406185 (cited by Laboratory of Diagnosis and Therapy of Lysosomal Disorders, University of Padova); PubMed 7733883 (cited by Laboratory of Diagnosis and Therapy of Lysosomal Disorders, University of Padova); PubMed 30118150 (cited by Laboratory of Diagnosis and Therapy of Lysosomal Disorders, University of Padova).

NM_000046.5(ARSB):c.937C>G (p.Pro313Ala)

Gene: ARSB (arylsulfatase B; minus strand). Cytogenetic location: 5q14.1.
Variant type: single nucleotide variant.
Coding change: c.937C>G on transcript NM_000046.5 (MANE Select); coding-DNA position 937, C replaced by G.
Protein change: p.Pro313Ala; replaces proline 313 with alanine.
Molecular consequence: missense variant.
Genome position (GRCh38, 1-based): chr5:78,885,789, G>C on the plus strand (C>G on the coding strand, the complement: ARSB is on the minus strand). VCF-style: chr5-78885789-G-C. GRCh37 (hg19) VCF-style: chr5-78181612-G-C.
Other names: c.937C>G (NM_000046.3); c.937C>G, p.Pro313Ala (NM_198709.3); short protein forms P313A.
Identifiers: ClinVar variation 559826 (VCV000559826.16), dbSNP rs749989641, ClinGen allele CA360343414.